The following is an entry in ClinVar:

ClinVar aggregate classification (germline): Uncertain significance (1 of 4 stars; one submission).

Submission:

Labcorp Genetics (formerly Invitae), Labcorp
Classification: Uncertain significance. Last evaluated: 2022-11-07. Review status: criteria provided, single submitter. Criteria: Invitae Variant Classification Sherloc (09022015). Collection method: clinical testing. Allele origin: germline.
Comment: This sequence change replaces alanine, which is neutral and non-polar, with proline, which is neutral and non-polar, at codon 966 of the MSH3 protein (p.Ala966Pro). This variant is not present in population databases (gnomAD no frequency). This variant has not been reported in the literature in individuals affected with MSH3-related conditions. Algorithms developed to predict the effect of missense changes on protein structure and function are either unavailable or do not agree on the potential impact of this missense change (SIFT: "Tolerated"; PolyPhen-2: "Probably Damaging"; Align-GVGD: "Class C0"). In summary, the available evidence is currently insufficient to determine the role of this variant in disease. Therefore, it has been classified as a Variant of Uncertain Significance.

NM_002439.5(MSH3):c.2896G>C (p.Ala966Pro)

Gene: MSH3 (mutS homolog 3; plus strand). Cytogenetic location: 5q14.1.
Variant type: single nucleotide variant.
Coding change: c.2896G>C on transcript NM_002439.5 (MANE Select); coding-DNA position 2896, G replaced by C.
Protein change: p.Ala966Pro; replaces alanine 966 with proline.
Molecular consequence: missense variant.
Genome position (GRCh38, 1-based): chr5:80,854,212, G>C. VCF-style: chr5-80854212-G-C. GRCh37 (hg19) VCF-style: chr5-80150031-G-C.
Other names: short protein forms A966P.
Identifiers: ClinVar variation 2135320 (VCV002135320.4), dbSNP rs1745878346, ClinGen allele CA360275641.